The following is an entry in ClinVar:

NM_007118.4(TRIO):c.5814C>T (p.Ser1938=)

Gene: TRIO (trio Rho guanine nucleotide exchange factor; plus strand). Cytogenetic location: 5p15.2.
Variant type: single nucleotide variant.
Coding change: c.5814C>T on transcript NM_007118.4 (MANE Select); coding-DNA position 5814, C replaced by T.
Protein change: p.Ser1938=; no amino-acid change (serine 1938 retained).
Molecular consequence: synonymous variant. On other transcripts: non-coding transcript variant (1).
Genome position (GRCh38, 1-based): chr5:14,471,368, C>T. VCF-style: chr5-14471368-C-T. GRCh37 (hg19) VCF-style: chr5-14471477-C-T.
Identifiers: ClinVar variation 4987127 (VCV004987127.1).

ClinVar aggregate classification (germline): Likely benign (1 of 4 stars; one submission).

Conditions:
TRIO-related disorder. Also called: TRIO-related disorders; TRIO-related condition.

gnomAD v4.1: 30 of 1,614,152 alleles (0.0019%); highest among the groups gnomAD compares: South Asian, 0.031%; 2 homozygotes.

Submission:

PreventionGenetics, part of Exact Sciences
Classification: Likely benign for TRIO-related condition. Last evaluated: 2026-05-28. Review status: criteria provided, single submitter. Criteria: ACMG Guidelines, 2015. Collection method: clinical testing. Allele origin: germline.
Comment: This variant is classified as likely benign based on ACMG/AMP sequence variant interpretation guidelines (Richards et al. 2015 PMID: 25741868, with internal and published modifications).